The following is an entry in ClinVar:

ClinVar aggregate classification (germline): Uncertain significance (1 of 4 stars; one submission).

Submission:

Labcorp Genetics (formerly Invitae), Labcorp
Classification: Uncertain significance. Last evaluated: 2022-03-14. Review status: criteria provided, single submitter. Criteria: Invitae Variant Classification Sherloc (09022015). Collection method: clinical testing. Allele origin: germline.
Comment: In summary, the available evidence is currently insufficient to determine the role of this variant in disease. Therefore, it has been classified as a Variant of Uncertain Significance. This variant has not been reported in the literature in individuals affected with MOCS3-related conditions. This variant is present in population databases (rs775328079, gnomAD 0.0009%). This sequence change results in a frameshift in the MOCS3 gene (p.Leu446Profs*18). While this is not anticipated to result in nonsense mediated decay, it is expected to disrupt the last 15 amino acid(s) of the MOCS3 protein and extend the protein by 2 additional amino acid residues.

NM_014484.5(MOCS3):c.1334dup (p.Leu446fs)

Gene: MOCS3 (molybdenum cofactor synthesis 3; plus strand). Cytogenetic location: 20q13.13.
Variant type: Duplication.
Coding change: c.1334dup on transcript NM_014484.5 (MANE Select); coding-DNA position 1334, one base duplicated (G; older notation c.1334dupG).
Protein change: p.Leu446fs; shifts the reading frame from leucine 446.
Molecular consequence: frameshift variant.
Genome position (GRCh38, 1-based): chr20:50,960,176, G duplicated; the last of 6 consecutive G bases (chr20:50,960,171-50,960,176); duplicating any one gives the same sequence. VCF-style (leftmost placement, unchanged base first): chr20-50960170-T-TG. GRCh37 (hg19) VCF-style: chr20-49576707-T-TG.
Other names: short protein forms L446fs.
Identifiers: ClinVar variation 1347159 (VCV001347159.6), dbSNP rs775328079, ClinGen allele CA9909578.